The following is an entry in ClinVar:

ClinVar aggregate classification (germline): Conflicting classifications of pathogenicity. Review status: criteria provided, conflicting classifications (1 of 4 stars). 3 submissions from 3 submitters: Likely pathogenic (1); Uncertain significance (2). Last evaluated 2026-03-06.

Conditions:
Hereditary cancer-predisposing syndrome. Also called: Tumor predisposition; Hereditary Cancer Syndrome; Hereditary neoplastic syndrome; Neoplastic Syndromes, Hereditary. Identifiers: Orphanet 140162, MedGen C0027672, MeSH D009386, MONDO:0015356.
Tuberous sclerosis 2 (TSC2). Identifiers: Orphanet 805, MedGen C1860707, MONDO:0013199, OMIM 613254.

gnomAD v4.1: 1 of 1,614,010 alleles (0.000062%); highest among the groups gnomAD compares: Non-Finnish European, 0.000085%; no homozygotes.

Submissions (3):

Ambry Genetics
Classification: Uncertain significance for Hereditary cancer-predisposing syndrome. Last evaluated: 2026-03-06. Review status: criteria provided, single submitter. Criteria: Ambry Variant Classification Scheme 2023. Collection method: clinical testing. Allele origin: germline.
Comment: The c.2220G>A variant (also known as p.M740I), located in coding exon 19 of the TSC2 gene, results from a G to A substitution at nucleotide position 2220. The amino acid change results in methionine to isoleucine at codon 740, an amino acid with highly similar properties. However, this change occurs in the last base pair of coding exon 19, which makes it likely to have some effect on normal mRNA splicing. RNA studies have demonstrated that this alteration results in an incomplete splice defect; the clinical impact of this abnormal splicing is unknown at this time (Ambry internal data). This nucleotide position is highly conserved in available vertebrate species. Based on the available evidence, the clinical significance of this variant remains unclear.

Labcorp Genetics (formerly Invitae), Labcorp
Classification: Uncertain significance for Tuberous sclerosis 2. Last evaluated: 2023-01-14. Review status: criteria provided, single submitter. Criteria: Invitae Variant Classification Sherloc (09022015). Collection method: clinical testing. Allele origin: germline.
Comment: In summary, the available evidence is currently insufficient to determine the role of this variant in disease. Therefore, it has been classified as a Variant of Uncertain Significance. Variants that disrupt the consensus splice site are a relatively common cause of aberrant splicing (PMID: 17576681, 9536098). Algorithms developed to predict the effect of sequence changes on RNA splicing suggest that this variant may disrupt the consensus splice site. Algorithms developed to predict the effect of missense changes on protein structure and function are either unavailable or do not agree on the potential impact of this missense change (SIFT: "Deleterious"; PolyPhen-2: "Benign"; Align-GVGD: "Class C0"). ClinVar contains an entry for this variant (Variation ID: 1686682). This variant has not been reported in the literature in individuals affected with TSC2-related conditions. This variant is not present in population databases (gnomAD no frequency). This sequence change replaces methionine, which is neutral and non-polar, with isoleucine, which is neutral and non-polar, at codon 740 of the TSC2 protein (p.Met740Ile). This variant also falls at the last nucleotide of exon 20, which is part of the consensus splice site for this exon.

GeneDx
Classification: Likely pathogenic. Last evaluated: 2022-05-18. Review status: criteria provided, single submitter. Criteria: GeneDx Variant Classification Process June 2021. Collection method: clinical testing. Allele origin: germline. Affected: yes.
Comment: Not observed at significant frequency in large population cohorts (gnomAD); In silico analysis supports that this missense variant has a deleterious effect on protein structure/function; In silico analysis supports a deleterious effect on splicing; Has not been previously published as pathogenic or benign to our knowledge

Literature cited by the submitters: PubMed 17576681 (cited by Labcorp Genetics (formerly Invitae), Labcorp); PubMed 9536098 (cited by Labcorp Genetics (formerly Invitae), Labcorp).

NM_000548.5(TSC2):c.2220G>A (p.Met740Ile)

Gene: TSC2 (TSC complex subunit 2; plus strand). Cytogenetic location: 16p13.3.
Variant type: single nucleotide variant.
Coding change: c.2220G>A on transcript NM_000548.5 (MANE Select); coding-DNA position 2220, G replaced by A.
Protein change: p.Met740Ile; replaces methionine 740 with isoleucine.
Molecular consequence: missense variant.
Genome position (GRCh38, 1-based): chr16:2,072,363, G>A. VCF-style: chr16-2072363-G-A. GRCh37 (hg19) VCF-style: chr16-2122364-G-A.
Other names: c.2220G>A, p.Met740Ile (NM_001077183.3, NM_001114382.3, NM_001363528.2 and 3 more transcripts); c.2109G>A, p.Met703Ile (NM_001318827.2); c.2073G>A, p.Met691Ile (NM_001318829.2); c.1620G>A, p.Met540Ile (NM_001318831.2); c.2253G>A, p.Met751Ile (NM_001318832.2); short protein forms M540I, M691I, M703I, M740I, M751I.
Identifiers: ClinVar variation 1686682 (VCV001686682.8), dbSNP rs2151319848, ClinGen allele CA394275183.